The following is an entry in ClinVar:

NM_000317.3(PTS):c.331G>T (p.Ala111Ser)

Gene: PTS (6-pyruvoyltetrahydropterin synthase; plus strand). Cytogenetic location: 11q23.1.
Variant type: single nucleotide variant.
Coding change: c.331G>T on transcript NM_000317.3 (MANE Select); coding-DNA position 331, G replaced by T.
Protein change: p.Ala111Ser; replaces alanine 111 with serine.
Molecular consequence: missense variant.
Genome position (GRCh38, 1-based): chr11:112,233,448, G>T. VCF-style: chr11-112233448-G-T. GRCh37 (hg19) VCF-style: chr11-112104171-G-T.
Other names: short protein forms A111S.
Identifiers: ClinVar variation 4818152 (VCV004818152.1).

ClinVar aggregate classification (germline): Likely pathogenic (1 of 4 stars; one submission).

Conditions:
6-Pyruvoyl-tetrahydrobiopterin synthase deficiency. Also called: 6-Pyruvoyltetrahydropterin Synthase Deficiency; HYPERPHENYLALANINEMIA, TETRAHYDROBIOPTERIN-DEFICIENT, DUE TO PTS DEFICIENCY; PTS DEFICIENCY; Hyperphenylalanemia, BH4-deficient, A; Hyperphenylalaninemia due to 6-pyruvoyl-tetrahydropterin synthase deficiency; BH4-deficient hyperphenylalaninemia A. Identifiers: Orphanet 13, Orphanet 238583, MedGen C0878676, MONDO:0009863, OMIM 261640.

Submission:

Natera, Inc.
Classification: Likely pathogenic for 6-Pyruvoyl-tetrahydrobiopterin synthase deficiency. Last evaluated: 2025-06-25. Review status: criteria provided, single submitter. Criteria: Natera Variant Classification Schema (03/2026). Collection method: clinical testing. Allele origin: germline.
Comment: The c.331G>T variant in PTS is a missense variant predicted to cause substitution of alanine to serine at amino acid 111. This variant is rare in the general population with a frequency below the threshold expected for the associated phenotype(s). This variant has been observed in one or more individuals affected with the associated recessive disease, as either homozygous or compound heterozygous with a second variant (PMID: 29685341). Additionally, this variant has been observed to segregate in affected family members (PMID: 29685341). A different variant at the same position has been determined to be Pathogenic or Likely Pathogenic. Given the available evidence, this variant is classified as Likely Pathogenic.

Literature cited by the submitters: PubMed 29685341.